The following is an entry in ClinVar:

NM_004727.3(SLC24A1):c.483A>G (p.Gln161=)

Gene: SLC24A1 (solute carrier family 24 member 1; plus strand). Cytogenetic location: 15q22.31.
Variant type: single nucleotide variant.
Coding change: c.483A>G on transcript NM_004727.3 (MANE Select); coding-DNA position 483, A replaced by G.
Protein change: p.Gln161=; no amino-acid change (glutamine 161 retained).
Molecular consequence: synonymous variant.
Genome position (GRCh38, 1-based): chr15:65,624,563, A>G. VCF-style: chr15-65624563-A-G. GRCh37 (hg19) VCF-style: chr15-65916901-A-G.
Other names: c.483A>G, p.Gln161= (NM_001301031.1, NM_001301032.1, NM_001301033.2); c.483A>G (NM_004727.2).
Identifiers: ClinVar variation 1534377 (VCV001534377.9), dbSNP rs750598986, ClinGen allele CA7619754.

ClinVar aggregate classification (germline): Likely benign. Review status: criteria provided, multiple submitters, no conflicts (2 of 4 stars). 2 submissions from 2 submitters: Likely benign (2). Last evaluated 2025-11-07.

Conditions:
SLC24A1-related disorder. Also called: SLC24A1-related condition.

Allele frequency attached by ClinVar (database versions not stated): gnomAD 0.00001; TOPMed 0.00006.
gnomAD v4.1: 12 of 1,596,252 alleles (0.00075%); highest among the groups gnomAD compares: Admixed American, 0.021%; no homozygotes.

Submissions (2):

PreventionGenetics, part of Exact Sciences
Classification: Likely benign for SLC24A1-related condition. Last evaluated: 2025-11-07. Review status: criteria provided, single submitter. Criteria: ACMG Guidelines, 2015. Collection method: clinical testing. Allele origin: germline.
Comment: This variant is classified as likely benign based on ACMG/AMP sequence variant interpretation guidelines (Richards et al. 2015 PMID: 25741868, with internal and published modifications).

Labcorp Genetics (formerly Invitae), Labcorp
Classification: Likely benign. Last evaluated: 2023-07-17. Review status: criteria provided, single submitter. Criteria: Invitae Variant Classification Sherloc (09022015). Collection method: clinical testing. Allele origin: germline.